The following is an entry in ClinVar:

NM_001042492.3(NF1):c.1892G>T (p.Gly631Val)

Gene: NF1 (neurofibromin 1; plus strand). Cytogenetic location: 17q11.2.
Variant type: single nucleotide variant.
Coding change: c.1892G>T on transcript NM_001042492.3 (MANE Select); coding-DNA position 1892, G replaced by T.
Protein change: p.Gly631Val; replaces glycine 631 with valine.
Molecular consequence: missense variant.
Genome position (GRCh38, 1-based): chr17:31,225,141, G>T. VCF-style: chr17-31225141-G-T. GRCh37 (hg19) VCF-style: chr17-29552159-G-T.
Other names: c.1892G>T, p.Gly631Val (NM_000267.4); short protein forms G631V.
Identifiers: ClinVar variation 820292 (VCV000820292.8), dbSNP rs876660272, ClinGen allele CA399005199.

ClinVar aggregate classification (germline): Uncertain significance. Review status: criteria provided, multiple submitters, no conflicts (2 of 4 stars). 2 submissions from 2 submitters: Uncertain significance (2). Last evaluated 2024-12-17.

Conditions:
Neurofibromatosis, type 1 (NF1). Also called: Peripheral type neurofibromatosis; Neurofibromatosis, type I; NEUROFIBROMATOSIS, TYPE I, SOMATIC; VON RECKLINGHAUSEN DISEASE. Identifiers: Orphanet 636, MedGen C0027831, MONDO:0018975, OMIM 162200. Disease mechanism: loss of function.
Hereditary cancer-predisposing syndrome. Also called: Hereditary Cancer Syndrome; Neoplastic Syndromes, Hereditary; Hereditary neoplastic syndrome; Tumor predisposition. Identifiers: Orphanet 140162, MedGen C0027672, MeSH D009386, MONDO:0015356.
Cardiovascular phenotype. Identifiers: MedGen CN230736.

Submissions (2):

Labcorp Genetics (formerly Invitae), Labcorp
Classification: Uncertain significance for Neurofibromatosis, type 1. Last evaluated: 2024-12-17. Review status: criteria provided, single submitter. Criteria: Invitae Variant Classification Sherloc (09022015). Collection method: clinical testing. Allele origin: germline.
Comment: This sequence change replaces glycine, which is neutral and non-polar, with valine, which is neutral and non-polar, at codon 631 of the NF1 protein (p.Gly631Val). This variant is not present in population databases (gnomAD no frequency). This variant has not been reported in the literature in individuals affected with NF1-related conditions. ClinVar contains an entry for this variant (Variation ID: 820292). Invitae Evidence Modeling of protein sequence and biophysical properties (such as structural, functional, and spatial information, amino acid conservation, physicochemical variation, residue mobility, and thermodynamic stability) indicates that this missense variant is not expected to disrupt NF1 protein function with a negative predictive value of 95%. In summary, the available evidence is currently insufficient to determine the role of this variant in disease. Therefore, it has been classified as a Variant of Uncertain Significance.

Ambry Genetics
Classification: Uncertain significance for Cardiovascular phenotype; Hereditary cancer-predisposing syndrome. Last evaluated: 2018-09-25. Review status: criteria provided, single submitter. Criteria: Ambry Variant Classification Scheme 2023. Collection method: clinical testing. Allele origin: germline.
Comment: The p.G631V variant (also known as c.1892G>T), located in coding exon 17 of the NF1 gene, results from a G to T substitution at nucleotide position 1892. The glycine at codon 631 is replaced by valine, an amino acid with dissimilar properties. This amino acid position is highly conserved in available vertebrate species. In addition, this alteration is predicted to be tolerated by in silico analysis. Since supporting evidence is limited at this time, the clinical significance of this alteration remains unclear.